The following is an entry in ClinVar:

NM_031307.4(PUS3):c.157C>T (p.Arg53Cys)

Genes: HYLS1 (HYLS1 centriolar and ciliogenesis associated; plus strand), PUS3 (pseudouridine synthase 3; minus strand). Cytogenetic location: 11q24.2.
Variant type: single nucleotide variant.
Coding change: c.157C>T on transcript NM_031307.4 (MANE Select); coding-DNA position 157, C replaced by T.
Protein change: p.Arg53Cys; replaces arginine 53 with cysteine.
Molecular consequence: missense variant. On other transcripts: intron variant (6).
Genome position (GRCh38, 1-based): chr11:125,896,128, G>A on the plus strand (C>T on the coding strand, the complement: PUS3 is on the minus strand). VCF-style: chr11-125896128-G-A. GRCh37 (hg19) VCF-style: chr11-125766023-G-A.
Other names: c.-80-2976G>A (NM_145014.3); c.-25-3216G>A (NM_001134793.2, NM_001377269.1); c.-22-3219G>A (NM_001424364.1, NM_001377270.1); c.-246-339C>T (NM_001271985.2); c.157C>T (NM_031307.3); short protein forms R53C.
Identifiers: ClinVar variation 3365507 (VCV003365507.2).

ClinVar aggregate classification (germline): Uncertain significance. Review status: criteria provided, multiple submitters, no conflicts (2 of 4 stars). 2 submissions from 2 submitters: Uncertain significance (2). Last evaluated 2024-10-19.

Conditions:
Inborn genetic diseases. Identifiers: MedGen C0950123, MeSH D030342.

gnomAD v4.1: 27 of 1,614,120 alleles (0.0017%); highest among the groups gnomAD compares: East Asian, 0.029%; no homozygotes.

Submissions (2):

Ambry Genetics
Classification: Uncertain significance for Inborn genetic diseases. Last evaluated: 2024-10-19. Review status: criteria provided, single submitter. Criteria: Ambry Variant Classification Scheme 2023. Collection method: clinical testing. Allele origin: germline.

GeneDx
Classification: Uncertain significance. Last evaluated: 2023-12-14. Review status: criteria provided, single submitter. Criteria: GeneDx Variant Classification Process June 2021. Collection method: clinical testing. Allele origin: germline. Affected: yes.
Comment: In silico analysis supports a deleterious effect on splicing; Has not been previously published as pathogenic or benign to our knowledge